The following is an entry in ClinVar:

ClinVar aggregate classification (germline): Uncertain significance (1 of 4 stars; one submission).

Conditions:
Myopathy, proximal, and ophthalmoplegia (CMYO6). Also called: MYOPATHY WITH CONGENITAL JOINT CONTRACTURES, OPHTHALMOPLEGIA, AND RIMMED VACUOLES; CONGENITAL MYOPATHY 6 WITH OPHTHALMOPLEGIA; INCLUSION BODY MYOPATHY 3, AUTOSOMAL DOMINANT. Identifiers: Orphanet 363677, Orphanet 79091, MedGen C1854106, MONDO:0011577, OMIM 605637.

gnomAD v4.1: 1 of 1,614,012 alleles (0.000062%); highest among the groups gnomAD compares: Non-Finnish European, 0.000085%; no homozygotes.

Submission:

Labcorp Genetics (formerly Invitae), Labcorp
Classification: Uncertain significance for Myopathy, proximal, and ophthalmoplegia. Last evaluated: 2024-03-18. Review status: criteria provided, single submitter. Criteria: Invitae Variant Classification Sherloc (09022015). Collection method: clinical testing. Allele origin: germline.
Comment: This sequence change replaces proline, which is neutral and non-polar, with threonine, which is neutral and polar, at codon 834 of the MYH2 protein (p.Pro834Thr). This variant is not present in population databases (gnomAD no frequency). This variant has not been reported in the literature in individuals affected with MYH2-related conditions. Advanced modeling of protein sequence and biophysical properties (such as structural, functional, and spatial information, amino acid conservation, physicochemical variation, residue mobility, and thermodynamic stability) performed at Invitae indicates that this missense variant is not expected to disrupt MYH2 protein function with a negative predictive value of 80%. In summary, the available evidence is currently insufficient to determine the role of this variant in disease. Therefore, it has been classified as a Variant of Uncertain Significance.

NM_017534.6(MYH2):c.2500C>A (p.Pro834Thr)

Genes: MYHAS (myosin heavy chain gene cluster antisense RNA; plus strand), MYH2 (myosin heavy chain 2; minus strand). Cytogenetic location: 17p13.1.
Variant type: single nucleotide variant.
Coding change: c.2500C>A on transcript NM_017534.6 (MANE Select); coding-DNA position 2500, C replaced by A.
Protein change: p.Pro834Thr; replaces proline 834 with threonine.
Molecular consequence: missense variant.
Genome position (GRCh38, 1-based): chr17:10,531,830, G>T on the plus strand (C>A on the coding strand, the complement: MYH2 is on the minus strand). VCF-style: chr17-10531830-G-T. GRCh37 (hg19) VCF-style: chr17-10435147-G-T.
Other names: c.2500C>A, p.Pro834Thr (NM_001100112.2); short protein forms P834T.
Identifiers: ClinVar variation 3718394 (VCV003718394.2).